The following is an entry in ClinVar:

ClinVar aggregate classification (germline): Uncertain significance (1 of 4 stars; one submission).

Submission:

Ambry Genetics
Classification: Uncertain significance. Last evaluated: 2024-10-17. Review status: criteria provided, single submitter. Criteria: Ambry Variant Classification Scheme 2023. Collection method: clinical testing. Allele origin: germline.
Comment: The p.V212A variant (also known as c.635T>C), located in coding exon 6 of the RAD51B gene, results from a T to C substitution at nucleotide position 635. The valine at codon 212 is replaced by alanine, an amino acid with similar properties. This amino acid position is conserved. In addition, this alteration is predicted to be tolerated by in silico analysis. Based on the available evidence, the clinical significance of this variant remains unclear.

NM_133510.4(RAD51B):c.635T>C (p.Val212Ala)

Gene: RAD51B (RAD51 paralog B; plus strand). Cytogenetic location: 14q24.1.
Variant type: single nucleotide variant.
Coding change: c.635T>C on transcript NM_133510.4 (MANE Select); coding-DNA position 635, T replaced by C.
Protein change: p.Val212Ala; replaces valine 212 with alanine.
Molecular consequence: missense variant.
Genome position (GRCh38, 1-based): chr14:67,887,083, T>C. VCF-style: chr14-67887083-T-C. GRCh37 (hg19) VCF-style: chr14-68353800-T-C.
Other names: c.635T>C, p.Val212Ala (NM_001321809.2, NM_001321810.2, NM_001321812.1 and 6 more transcripts); c.521T>C, p.Val174Ala (NM_001321815.1); c.278T>C, p.Val93Ala (NM_001321817.2); short protein forms V174A, V93A, V212A.
Identifiers: ClinVar variation 3429617 (VCV003429617.1).